The following is an entry in ClinVar:

NM_015474.4(SAMHD1):c.1155-7T>G

Gene: SAMHD1 (SAM and HD domain containing deoxynucleoside triphosphate triphosphohydrolase 1; minus strand). Cytogenetic location: 20q11.23.
Variant type: single nucleotide variant.
Coding change: c.1155-7T>G on transcript NM_015474.4 (MANE Select); 7 bases into the intron before coding-DNA position 1155, T replaced by G.
Molecular consequence: intron variant.
Genome position (GRCh38, 1-based): chr20:36,911,340, A>C on the plus strand (T>G on the coding strand, the complement: SAMHD1 is on the minus strand). VCF-style: chr20-36911340-A-C. GRCh37 (hg19) VCF-style: chr20-35539743-A-C.
Other names: c.1155-7T>G (NM_001363729.2, NM_001363733.2).
Identifiers: ClinVar variation 1414393 (VCV001414393.8), dbSNP rs563734052, ClinGen allele CA9844564.

ClinVar aggregate classification (germline): Uncertain significance (1 of 4 stars; one submission).

Conditions:
Aicardi-Goutieres syndrome 5. Identifiers: Orphanet 51, MedGen C2749659, MONDO:0013059, OMIM 612952.

Allele frequency attached by ClinVar (database versions not stated): gnomAD exomes below 0.00001; ExAC 0.00001; gnomAD 0.00001; 1000 Genomes Project 30x 0.00016; 1000 Genomes Project 0.00020.
gnomAD v4.1: 1 of 1,572,990 alleles (0.000064%); highest among the groups gnomAD compares: South Asian, 0.0011%; no homozygotes.

Submission:

Labcorp Genetics (formerly Invitae), Labcorp
Classification: Uncertain significance for Aicardi-Goutieres syndrome 5. Last evaluated: 2023-07-21. Review status: criteria provided, single submitter. Criteria: Invitae Variant Classification Sherloc (09022015). Collection method: clinical testing. Allele origin: germline.
Comment: In summary, the available evidence is currently insufficient to determine the role of this variant in disease. Therefore, it has been classified as a Variant of Uncertain Significance. Algorithms developed to predict the effect of sequence changes on RNA splicing suggest that this variant may disrupt the consensus splice site. ClinVar contains an entry for this variant (Variation ID: 1414393). This variant has not been reported in the literature in individuals affected with SAMHD1-related conditions. This variant is present in population databases (rs563734052, gnomAD 0.003%). This sequence change falls in intron 10 of the SAMHD1 gene. It does not directly change the encoded amino acid sequence of the SAMHD1 protein.